The following is an entry in ClinVar:

NM_001365276.2(TNXB):c.3374A>T (p.Lys1125Met)

Gene: TNXB (tenascin XB; minus strand). Cytogenetic location: 6p21.33.
Variant type: single nucleotide variant.
Coding change: c.3374A>T on transcript NM_001365276.2 (MANE Select); coding-DNA position 3374, A replaced by T.
Protein change: p.Lys1125Met; replaces lysine 1125 with methionine.
Molecular consequence: missense variant.
Genome position (GRCh38, 1-based): chr6:32,084,484, T>A on the plus strand (A>T on the coding strand, the complement: TNXB is on the minus strand). VCF-style: chr6-32084484-T-A. GRCh37 (hg19) VCF-style: chr6-32052261-T-A.
Other names: c.4115A>T, p.Lys1372Met (NM_001428335.1); c.3374A>T, p.Lys1125Met (NM_019105.8); short protein forms K1372M, K1125M.
Identifiers: ClinVar variation 3972024 (VCV003972024.1).

ClinVar aggregate classification (germline): Uncertain significance (1 of 4 stars; one submission).

Conditions:
Cardiovascular phenotype. Identifiers: MedGen CN230736.

Submission:

Ambry Genetics
Classification: Uncertain significance for Cardiovascular phenotype. Last evaluated: 2025-05-10. Review status: criteria provided, single submitter. Criteria: Ambry Variant Classification Scheme 2023. Collection method: clinical testing. Allele origin: germline.
Comment: The p.K1125M variant (also known as c.3374A>T), located in coding exon 7 of the TNXB gene, results from an A to T substitution at nucleotide position 3374. The lysine at codon 1125 is replaced by methionine, an amino acid with similar properties. This amino acid position is conserved. In addition, this alteration is predicted to be tolerated by in silico analysis. Based on the available evidence, the clinical significance of this variant remains unclear.